The following is an entry in ClinVar:

NM_000726.5(CACNB4):c.40G>C (p.Gly14Arg)

Genes: CACNB4 (calcium voltage-gated channel auxiliary subunit beta 4; minus strand), LOC129934925 (ATAC-STARR-seq lymphoblastoid silent region 12010; plus strand). Cytogenetic location: 2q23.3.
Variant type: single nucleotide variant.
Coding change: c.40G>C on transcript NM_000726.5 (MANE Select); coding-DNA position 40, G replaced by C.
Protein change: p.Gly14Arg; replaces glycine 14 with arginine.
Molecular consequence: missense variant.
Genome position (GRCh38, 1-based): chr2:152,098,972, C>G on the plus strand (G>C on the coding strand, the complement: CACNB4 is on the minus strand). VCF-style: chr2-152098972-C-G. GRCh37 (hg19) VCF-style: chr2-152955486-C-G.
Other names: c.40G>C, p.Gly14Arg (NM_001145798.3); short protein forms G14R.
Identifiers: ClinVar variation 842227 (VCV000842227.9), dbSNP rs573977862, ClinGen allele CA1912792.

ClinVar aggregate classification (germline): Conflicting classifications of pathogenicity. Review status: criteria provided, conflicting classifications (1 of 4 stars). 2 submissions from 2 submitters: Uncertain significance (1); Benign (1). Last evaluated 2021-08-27.

Conditions:
Idiopathic generalized epilepsy. Also called: EIG; Generalised epilepsy. Identifiers: MedGen C0270850, MONDO:0005579, OMIM 600669.
Episodic ataxia type 5. Identifiers: Orphanet 211067, MedGen C1866039, MONDO:0013464, OMIM 613855.

Allele frequency attached by ClinVar (database versions not stated): TOPMed 0.00006; 1000 Genomes Project 0.00020; 1000 Genomes Project 30x 0.00031.
gnomAD v4.1: 55 of 1,529,020 alleles (0.0036%); highest among the groups gnomAD compares: East Asian, 0.023%; no homozygotes.

Submissions (2):

Labcorp Genetics (formerly Invitae), Labcorp
Classification: Uncertain significance for Idiopathic generalized epilepsy. Last evaluated: 2021-08-27. Review status: criteria provided, single submitter. Criteria: Invitae Variant Classification Sherloc (09022015). Collection method: clinical testing. Allele origin: germline.
Comment: This sequence change replaces glycine with arginine at codon 14 of the CACNB4 protein (p.Gly14Arg). The glycine residue is weakly conserved and there is a moderate physicochemical difference between glycine and arginine. While this variant is present in population databases (rs573977862), the frequency information is unreliable, as metrics indicate poor data quality at this position in the ExAC database. This variant has not been reported in the literature in individuals affected with CACNB4-related conditions. Algorithms developed to predict the effect of missense changes on protein structure and function output the following: SIFT: "Tolerated"; PolyPhen-2: "Benign"; Align-GVGD: "Class C0". The arginine amino acid residue is found in multiple mammalian species, which suggests that this missense change does not adversely affect protein function. In summary, the available evidence is currently insufficient to determine the role of this variant in disease. Therefore, it has been classified as a Variant of Uncertain Significance.

Illumina Laboratory Services, Illumina
Classification: Benign for Episodic ataxia type 5. Last evaluated: 2018-01-13. Review status: criteria provided, single submitter. Criteria: ICSL Variant Classification Criteria 13 December 2019. Collection method: clinical testing. Allele origin: germline.
Comment: This variant was observed in the ICSL laboratory as part of a predisposition screen in an ostensibly healthy population. It had not been previously curated by ICSL or reported in the Human Gene Mutation Database (HGMD: prior to June 1st, 2018), and was therefore a candidate for classification through an automated scoring system. Utilizing variant allele frequency, disease prevalence and penetrance estimates, and inheritance mode, an automated score was calculated to assess if this variant is too frequent to cause the disease. Based on the score and internal cut-off values, a variant classified as benign is not then subjected to further curation. The score for this variant resulted in a classification of benign for this disease.